The following is an entry in ClinVar:

NM_206933.4(USH2A):c.734_735del (p.Ser245fs)

Gene: USH2A (usherin; minus strand). Cytogenetic location: 1q41.
Variant type: Deletion.
Coding change: c.734_735del on transcript NM_206933.4 (MANE Select); coding-DNA positions 734 to 735, 2 bases deleted (CA; older notation c.734_735delCA).
Protein change: p.Ser245fs; shifts the reading frame from serine 245.
Molecular consequence: frameshift variant.
Genome position (GRCh38, 1-based): chr1:216,365,002-216,365,003, TG deleted on the plus strand (CA on the coding strand, the reverse complement: USH2A is on the minus strand). VCF-style (leftmost placement, unchanged base first): chr1-216365001-TTG-T. GRCh37 (hg19) VCF-style: chr1-216538343-TTG-T.
Other names: c.734_735del, p.Ser245fs (NM_007123.6); short protein forms S245fs.
Identifiers: ClinVar variation 1725112 (VCV001725112.2), dbSNP rs2527531361, ClinGen allele CA2580062138.
Genomic context (GRCh38, chr1:216,365,001, plus strand): 5'-TCAGAAACTTACCATTTAAACTCTGTCCTATTTGCACAGTACCAGATGCAAAATCTGTAA[TTG>T]AACCACTTAGAGTTCTTGCATTGAAAGGTGTATGATCCTTCTCCACGCCATTGATAAAGA-3'

ClinVar aggregate classification (germline): Likely pathogenic (1 of 4 stars; one submission).

Conditions:
Usher syndrome type 2A. Also called: RETINAL DISEASE IN USHER SYNDROME TYPE IIA, MODIFIER OF; USHER SYNDROME, TYPE IIA. Identifiers: Orphanet 231178, Orphanet 886, MedGen C1848634, MONDO:0010169, OMIM 276901.

Submission:

Myriad Genetics, Inc.
Classification: Likely pathogenic for Usher syndrome type 2A. Last evaluated: 2022-03-08. Review status: criteria provided, single submitter. Criteria: Myriad Women's Health Autosomal Recessive and X-Linked Classification Criteria (2021). Collection method: clinical testing. Allele origin: unknown.
Comment: NM_206933.2(USH2A):c.734_735delCA(S245Yfs*77) is expected to be pathogenic in the context of USH2A-related disorders. This variant is predicted to lead to an abnormal or absent protein product due to the creation of a premature termination codon in USH2A, a gene where loss-of-function variants are known to be pathogenic. Please note: this variant was assessed in the context of healthy population screening.